The following is an entry in ClinVar:

NM_003659.4(AGPS):c.86CGGACC[3] (p.29PD[3])

Genes: AGPS (alkylglycerone phosphate synthase; plus strand), LOC129935172 (ATAC-STARR-seq lymphoblastoid silent region 12147; plus strand). Cytogenetic location: 2q31.2.
Variant type: Microsatellite.
Coding change: c.86CGGACC[3] on transcript NM_003659.4 (MANE Select); three copies in a row of the 6-base unit CGGACC starting at c.86; the reference has two copies in a row; one copy, 6 bases duplicated.
Protein change: p.29PD[3].
Molecular consequence: inframe insertion.
Genome position (GRCh38, 1-based): chr2:177,392,881-177,392,886, CGGACC duplicated; duplicating any 6 consecutive bases within chr2:177,392,870-177,392,886 gives the same sequence; the position shown is the placement nearest the transcript's 3' end. VCF-style (leftmost placement, unchanged base first): chr2-177392869-G-GGGACCC. GRCh37 (hg19) VCF-style: chr2-178257597-G-GGGACCC.
Identifiers: ClinVar variation 332511 (VCV000332511.6), dbSNP rs886055162, ClinGen allele CA10612880.
Genomic context (GRCh38, chr2:177,392,869, plus strand): 5'-CAGCGGGTGGGACTGGCTTGGGCGCGGGCGCGAGCTACGGGTCTGCAGCGGACCGGGACC[G>GGGACCC]GGACCCGGACCCGGACCGCGCCGGGCGGAGGCTGCGGGTTCTCTCTGGCCATCTGCTGGG-3'

ClinVar aggregate classification (germline): Uncertain significance (1 of 4 stars; one submission).

Submission:

Labcorp Genetics (formerly Invitae), Labcorp
Classification: Uncertain significance. Last evaluated: 2022-10-16. Review status: criteria provided, single submitter. Criteria: Invitae Variant Classification Sherloc (09022015). Collection method: clinical testing. Allele origin: germline.
Comment: This variant, c.92_97dup, results in the insertion of 2 amino acid(s) of the AGPS protein (p.Pro31_Asp32dup), but otherwise preserves the integrity of the reading frame. This variant is present in population databases (no rsID available, gnomAD 0.02%). This variant has not been reported in the literature in individuals affected with AGPS-related conditions. ClinVar contains an entry for this variant (Variation ID: 332511). Experimental studies and prediction algorithms are not available or were not evaluated, and the functional significance of this variant is currently unknown. In summary, the available evidence is currently insufficient to determine the role of this variant in disease. Therefore, it has been classified as a Variant of Uncertain Significance.